The following is an entry in ClinVar:

ClinVar aggregate classification (germline): Pathogenic/Likely pathogenic. Review status: criteria provided, multiple submitters, no conflicts (2 of 4 stars). 3 submissions from 3 submitters: Pathogenic (1); Likely pathogenic (2). Last evaluated 2023-07-24.

Conditions:
Carnitine palmitoyl transferase II deficiency, neonatal form. Also called: Carnitine palmitoyltransferase II deficiency, lethal neonatal; CARNITINE PALMITOYLTRANSFERASE II DEFICIENCY, ANTENATAL; CARNITINE PALMITOYLTRANSFERASE II DEFICIENCY, NEONATAL; CPT II DEFICIENCY, LETHAL NEONATAL; CPT2 DEFICIENCY, LETHAL NEONATAL. Identifiers: Orphanet 228308, MedGen C1833518, MONDO:0012136, OMIM 608836.
Carnitine palmitoyltransferase II deficiency. Also called: Carnitine Palmitoyltransferase 2 Deficiency. Identifiers: Orphanet 157, MedGen C0342790, MONDO:0015515.

Allele frequency attached by ClinVar (database versions not stated): gnomAD exomes below 0.00001.
gnomAD v4.1: 4 of 1,613,286 alleles (0.00025%); highest among the groups gnomAD compares: Non-Finnish European, 0.00025%; no homozygotes.

Submissions (3):

Department of Pathology and Laboratory Medicine, Sinai Health System
Classification: Likely pathogenic for Carnitine palmitoyl transferase II deficiency, neonatal form. Last evaluated: 2023-07-24. Review status: criteria provided, single submitter. Criteria: ACMG Guidelines, 2015. Collection method: research. Allele origin: germline.

Mayo Clinic Laboratories, Mayo Clinic
Classification: Likely pathogenic. Last evaluated: 2022-02-22. Review status: criteria provided, single submitter. Criteria: ACMG Guidelines, 2015. Collection method: clinical testing. Allele origin: germline. Observed: 1 variant allele.
Comment: PM2, PVS1

Labcorp Genetics (formerly Invitae), Labcorp
Classification: Pathogenic for Carnitine palmitoyltransferase II deficiency. Last evaluated: 2021-07-09. Review status: criteria provided, single submitter. Criteria: Invitae Variant Classification Sherloc (09022015). Collection method: clinical testing. Allele origin: germline.
Comment: This variant has not been reported in the literature in individuals with CPT2-related conditions. For these reasons, this variant has been classified as Pathogenic. This variant is not present in population databases (ExAC no frequency). This sequence change creates a premature translational stop signal (p.Trp116*) in the CPT2 gene. It is expected to result in an absent or disrupted protein product. Loss-of-function variants in CPT2 are known to be pathogenic (PMID: 16781677, 16996287).

Literature cited by the submitters: PubMed 16615913 (cited by Mayo Clinic Laboratories, Mayo Clinic); PubMed 16781677 (cited by Labcorp Genetics (formerly Invitae), Labcorp); PubMed 16996287 (cited by Labcorp Genetics (formerly Invitae), Labcorp).

NM_000098.3(CPT2):c.347G>A (p.Trp116Ter)

Gene: CPT2 (carnitine palmitoyltransferase 2; plus strand). Cytogenetic location: 1p32.3.
Variant type: single nucleotide variant.
Coding change: c.347G>A on transcript NM_000098.3 (MANE Select); coding-DNA position 347, G replaced by A.
Protein change: p.Trp116Ter; replaces tryptophan 116 with a stop codon.
Molecular consequence: nonsense.
Genome position (GRCh38, 1-based): chr1:53,210,021, G>A. VCF-style: chr1-53210021-G-A. GRCh37 (hg19) VCF-style: chr1-53675693-G-A.
Other names: p.Trp116*; c.347G>A, p.Trp116Ter (NM_001330589.2); short protein forms W116*.
Identifiers: ClinVar variation 1357197 (VCV001357197.7), dbSNP rs1645411052, ClinGen allele CA340391745.